The following is an entry in ClinVar:

NM_016034.5(MRPS2):c.203A>G (p.Lys68Arg)

Gene: MRPS2 (mitochondrial ribosomal protein S2; plus strand). Cytogenetic location: 9q34.3.
Variant type: single nucleotide variant.
Coding change: c.203A>G on transcript NM_016034.5 (MANE Select); coding-DNA position 203, A replaced by G.
Protein change: p.Lys68Arg; replaces lysine 68 with arginine.
Molecular consequence: missense variant. On other transcripts: non-coding transcript variant (4).
Genome position (GRCh38, 1-based): chr9:135,501,877, A>G. VCF-style: chr9-135501877-A-G. GRCh37 (hg19) VCF-style: chr9-138393723-A-G.
Other names: c.203A>G, p.Lys68Arg (NM_001371401.1); short protein forms K68R.
Identifiers: ClinVar variation 2027814 (VCV002027814.4), dbSNP rs2490468897, ClinGen allele CA375482212.

ClinVar aggregate classification (germline): Uncertain significance (1 of 4 stars; one submission).

Submission:

Labcorp Genetics (formerly Invitae), Labcorp
Classification: Uncertain significance. Last evaluated: 2022-08-30. Review status: criteria provided, single submitter. Criteria: Invitae Variant Classification Sherloc (09022015). Collection method: clinical testing. Allele origin: germline.
Comment: This sequence change replaces lysine, which is basic and polar, with arginine, which is basic and polar, at codon 68 of the MRPS2 protein (p.Lys68Arg). In summary, the available evidence is currently insufficient to determine the role of this variant in disease. Therefore, it has been classified as a Variant of Uncertain Significance. Algorithms developed to predict the effect of missense changes on protein structure and function output the following: SIFT: "Tolerated"; PolyPhen-2: "Benign"; Align-GVGD: "Class C0". The arginine amino acid residue is found in multiple mammalian species, which suggests that this missense change does not adversely affect protein function. This variant has not been reported in the literature in individuals affected with MRPS2-related conditions. This variant is not present in population databases (gnomAD no frequency).